The following is an entry in ClinVar:

NM_000369.5(TSHR):c.*1106G>T

Genes: TSHR (thyroid stimulating hormone receptor; plus strand), TSHR-AS1 (TSHR antisense RNA 1; minus strand). Cytogenetic location: 14q31.1.
Variant type: single nucleotide variant.
Coding change: c.*1106G>T on transcript NM_000369.5 (MANE Select); 1106 bases downstream of the stop codon, G replaced by T.
Molecular consequence: 3 prime UTR variant.
Genome position (GRCh38, 1-based): chr14:81,145,459, G>T. VCF-style: chr14-81145459-G-T. GRCh37 (hg19) VCF-style: chr14-81611803-G-T.
Identifiers: ClinVar variation 314713 (VCV000314713.5), dbSNP rs150923034, ClinGen allele CA10646446.
Genomic context (GRCh38, chr14:81,145,459, plus strand): 5'-CCTTTGTTTCACTTTTGATTATGATGTCTGAGCCAAAAATTCAATTAAGTAAACATACTC[G>T]CCTGGATCTGAATCATTCATTTAATTACTAGATCTACCCAGCTGTTATATCAGGCCAAAA-3'

ClinVar aggregate classification (germline): Conflicting classifications of pathogenicity. Review status: criteria provided, conflicting classifications (1 of 4 stars). 2 submissions from 1 submitter: Uncertain significance (1); Benign (1). Last evaluated 2018-01-12.

Conditions:
Hypothyroidism due to TSH receptor mutations. Also called: HYPOTHYROIDISM DUE TO UNRESPONSIVENESS TO THYROTROPIN; HYPOTHYROIDISM, CONGENITAL, DUE TO TSH RESISTANCE; HYPOTHYROIDISM, NONAUTOIMMUNE; THYROID-STIMULATING HORMONE, RESISTANCE TO; TSH RESISTANCE; Hypothyroidism, congenital, nongoitrous, 1. Identifiers: Orphanet 90673, MedGen C3493776, MONDO:0010142, OMIM 275200.
Familial hyperthyroidism due to mutations in TSH receptor. Also called: HYPERTHYROIDISM, CONGENITAL NONAUTOIMMUNE; HYPERTHYROIDISM, NONAUTOIMMUNE, AUTOSOMAL DOMINANT; TOXIC THYROID HYPERPLASIA, AUTOSOMAL DOMINANT. Identifiers: Orphanet 424, MedGen C1836706, MONDO:0012203, OMIM 609152.

Allele frequency attached by ClinVar (database versions not stated): 1000 Genomes Project 0.00919; 1000 Genomes Project 30x 0.00984; TOPMed 0.01011.
gnomAD v4.1: 1,570 of 232,736 alleles (0.67%); highest among the groups gnomAD compares: African/African-American, 3.3%; 37 homozygotes.

Submissions (2):

Illumina Laboratory Services, Illumina
Classification: Uncertain significance for Hypothyroidism due to TSH receptor mutations. Last evaluated: 2018-01-12. Review status: criteria provided, single submitter. Criteria: ICSL Variant Classification Criteria 13 December 2019. Collection method: clinical testing. Allele origin: germline.

Illumina Laboratory Services, Illumina
Classification: Benign for Familial hyperthyroidism due to mutations in TSH receptor. Last evaluated: 2018-01-12. Review status: criteria provided, single submitter. Criteria: ICSL Variant Classification Criteria 13 December 2019. Collection method: clinical testing. Allele origin: germline.
Comment: This variant was observed in the ICSL laboratory as part of a predisposition screen in an ostensibly healthy population. It had not been previously curated by ICSL or reported in the Human Gene Mutation Database (HGMD: prior to June 1st, 2018), and was therefore a candidate for classification through an automated scoring system. Utilizing variant allele frequency, disease prevalence and penetrance estimates, and inheritance mode, an automated score was calculated to assess if this variant is too frequent to cause the disease. Based on the score and internal cut-off values, a variant classified as benign is not then subjected to further curation. The score for this variant resulted in a classification of benign for this disease.